The following is an entry in ClinVar:

NM_000444.6(PHEX):c.2153A>G (p.Asn718Ser)

Genes: PHEX (phosphate regulating endopeptidase X-linked; plus strand), PTCHD1-AS (PTCHD1 and PHEX antisense RNA; minus strand). Cytogenetic location: Xp22.11.
Variant type: single nucleotide variant.
Coding change: c.2153A>G on transcript NM_000444.6 (MANE Select); coding-DNA position 2153, A replaced by G.
Protein change: p.Asn718Ser; replaces asparagine 718 with serine.
Molecular consequence: missense variant. On other transcripts: synonymous variant (1).
Genome position (GRCh38, 1-based): chrX:22,247,856, A>G. VCF-style: chrX-22247856-A-G. GRCh37 (hg19) VCF-style: chrX-22265973-A-G.
Other names: c.2076A>G, p.Gln692= (NM_001282754.2); short protein forms N718S.
Identifiers: ClinVar variation 2527246 (VCV002527246.4), dbSNP rs191028600, ClinGen allele CA327534656.

ClinVar aggregate classification (germline): Uncertain significance. Review status: criteria provided, multiple submitters, no conflicts (2 of 4 stars). 2 submissions from 2 submitters: Uncertain significance (2). Last evaluated 2025-06-23.

Conditions:
Inborn genetic diseases. Identifiers: MedGen C0950123, MeSH D030342.

Allele frequency attached by ClinVar (database versions not stated): TOPMed 0.00002; 1000 Genomes Project 30x 0.00042; gnomAD 0.00001; 1000 Genomes Project 0.00026.
gnomAD v4.1: 18 of 1,189,644 alleles (0.0015%); highest among the groups gnomAD compares: African/African-American, 0.0018%; no homozygotes.

Submissions (2):

Labcorp Genetics (formerly Invitae), Labcorp
Classification: Uncertain significance. Last evaluated: 2025-06-23. Review status: criteria provided, single submitter. Criteria: Invitae Variant Classification Sherloc (09022015). Collection method: clinical testing. Allele origin: germline.
Comment: This sequence change replaces asparagine, which is neutral and polar, with serine, which is neutral and polar, at codon 718 of the PHEX protein (p.Asn718Ser). This variant is present in population databases (rs191028600, gnomAD 0.002%), including at least one homozygous and/or hemizygous individual. This variant has not been reported in the literature in individuals affected with PHEX-related conditions. ClinVar contains an entry for this variant (Variation ID: 2527246). Invitae Evidence Modeling of protein sequence and biophysical properties (such as structural, functional, and spatial information, amino acid conservation, physicochemical variation, residue mobility, and thermodynamic stability) has been performed for this missense variant. However, the output from this modeling did not meet the statistical confidence thresholds required to predict the impact of this variant on PHEX protein function. In summary, the available evidence is currently insufficient to determine the role of this variant in disease. Therefore, it has been classified as a Variant of Uncertain Significance.

Ambry Genetics
Classification: Uncertain significance for Inborn genetic diseases. Last evaluated: 2023-04-17. Review status: criteria provided, single submitter. Criteria: Ambry Variant Classification Scheme 2023. Collection method: clinical testing. Allele origin: germline.